The following is an entry in ClinVar:

NM_004187.5(KDM5C):c.825G>T (p.Glu275Asp)

Gene: KDM5C (lysine demethylase 5C; minus strand). Cytogenetic location: Xp11.22.
Variant type: single nucleotide variant.
Coding change: c.825G>T on transcript NM_004187.5 (MANE Select); coding-DNA position 825, G replaced by T.
Protein change: p.Glu275Asp; replaces glutamic acid 275 with aspartic acid.
Molecular consequence: missense variant. On other transcripts: non-coding transcript variant (3).
Genome position (GRCh38, 1-based): chrX:53,215,933, C>A on the plus strand (G>T on the coding strand, the complement: KDM5C is on the minus strand). VCF-style: chrX-53215933-C-A. GRCh37 (hg19) VCF-style: chrX-53245115-C-A.
Other names: c.624G>T, p.Glu208Asp (NM_001146702.2); c.822G>T, p.Glu274Asp (NM_001282622.3, NM_001353979.2, NM_001353982.2); c.825G>T, p.Glu275Asp (NM_001353978.3, NM_001353981.2, NM_001353984.2); short protein forms E208D, E274D, E275D.
Identifiers: ClinVar variation 3629799 (VCV003629799.1).
Genomic context (GRCh38, chrX:53,215,933, plus strand): 5'-CTTGCTCTCCAGGAAGGTCTTAGGCGATGTTGACTCCACCTTCACATCCCCACCTAACTC[C>A]TCCTTCACCACTACTGTGGGGGGACACTCAGGCCCCTCCTTATCTGGGAGAGAGAAAAAT-3'
Protein context (NP_004178.2, residues 265-285): PECPPTVVVK[Glu275Asp]ELGGDVKVES

ClinVar aggregate classification (germline): Uncertain significance (1 of 4 stars; one submission).

Submission:

Women's Health and Genetics/Laboratory Corporation of America, LabCorp
Classification: Uncertain significance. Last evaluated: 2024-11-06. Review status: criteria provided, single submitter. Criteria: LabCorp Variant Classification Summary - May 2015. Collection method: clinical testing. Allele origin: germline.
Comment: Variant summary: KDM5C c.825G>T (p.Glu275Asp) results in a conservative amino acid change in the encoded protein sequence. Five of five in-silico tools predict a benign effect of the variant on protein function. The variant was absent in 183493 control chromosomes. The available data on variant occurrences in the general population are insufficient to allow any conclusion about variant significance. To our knowledge, no occurrence of c.825G>T in individuals affected with X-Linked, Syndromic, Claes-Jensen Type Mental Retardation and no experimental evidence demonstrating its impact on protein function have been reported. No submitters have cited clinical-significance assessments for this variant to ClinVar. Based on the evidence outlined above, the variant was classified as uncertain significance.